The following is an entry in ClinVar:

NM_000179.3(MSH6):c.3299C>T (p.Thr1100Met)

Gene: MSH6 (mutS homolog 6; plus strand). Cytogenetic location: 2p16.3.
Variant type: single nucleotide variant.
Coding change: c.3299C>T on transcript NM_000179.3 (MANE Select); coding-DNA position 3299, C replaced by T.
Protein change: p.Thr1100Met; replaces threonine 1100 with methionine.
Molecular consequence: missense variant.
Genome position (GRCh38, 1-based): chr2:47,803,546, C>T. VCF-style: chr2-47803546-C-T. GRCh37 (hg19) VCF-style: chr2-48030685-C-T.
Other names: c.2909C>T, p.Thr970Met (NM_001281492.2); c.2393C>T, p.Thr798Met (NM_001281493.2, NM_001281494.2); short protein forms T1100M, T798M, T970M.
Identifiers: ClinVar variation 89369 (VCV000089369.67), dbSNP rs63750442, ClinGen allele CA012473.

ClinVar aggregate classification (germline): Conflicting classifications of pathogenicity. Review status: criteria provided, conflicting classifications (1 of 4 stars). 19 submissions from 19 submitters: Uncertain significance (13); Benign (1); Likely benign (4). 1 of the submissions does not count toward it. Last evaluated 2026-04-14.

Conditions:
MSH6-related disorder. Also called: MSH6-related condition; MSH6-Related disorders.
Hereditary nonpolyposis colorectal neoplasms. Identifiers: MedGen C0009405, MeSH D003123.
Hereditary cancer-predisposing syndrome. Also called: Hereditary Cancer Syndrome; Tumor predisposition; Neoplastic Syndromes, Hereditary; Hereditary neoplastic syndrome. Identifiers: Orphanet 140162, MedGen C0027672, MeSH D009386, MONDO:0015356.
Lynch syndrome. Identifiers: Orphanet 144, MedGen C4552100, MONDO:0005835. Disease mechanism: loss of function.
Lynch syndrome 5 (LYNCH5). Also called: Hereditary non-polyposis colorectal cancer, type 5; Colorectal cancer, hereditary nonpolyposis, type 5. Identifiers: Orphanet 144, MedGen C1833477, MONDO:0013710, OMIM 614350. Disease mechanism: loss of function.
Mismatch repair cancer syndrome 1 (MMRCS1). Also called: BRAIN TUMOR-POLYPOSIS SYNDROME 1; BTP1 SYNDROME; CHILDHOOD CANCER SYNDROME; MISMATCH REPAIR DEFICIENCY; MMR DEFICIENCY. Identifiers: Orphanet 252202, MedGen C5399763, MONDO:0010159, OMIM 276300. Disease mechanism: loss of function.
Endometrial carcinoma. Also called: Endometrial carcinoma, somatic. Identifiers: MedGen C0476089, MONDO:0002447, OMIM 608089, HP:0012114.
Malignant tumor of breast. Also called: Malignant breast neoplasm; Cancer breast. Identifiers: MedGen C0006142, MONDO:0007254. Disease mechanism: loss of function.

Allele frequency attached by ClinVar (database versions not stated): TOPMed 0.00006.
gnomAD v4.1: 55 of 1,613,980 alleles (0.0034%); highest among the groups gnomAD compares: Middle Eastern, 0.016%; no homozygotes.

Submissions 1 to 9 of 19:

Ambry Genetics
Classification: Likely benign for Hereditary cancer-predisposing syndrome. Last evaluated: 2026-04-14. Review status: criteria provided, single submitter. Criteria: Ambry Variant Classification Scheme 2023. Collection method: clinical testing. Allele origin: germline.

Labcorp Genetics (formerly Invitae), Labcorp
Classification: Benign for Hereditary nonpolyposis colorectal neoplasms. Last evaluated: 2026-01-27. Review status: criteria provided, single submitter. Criteria: Invitae Variant Classification Sherloc (09022015). Collection method: clinical testing. Allele origin: germline.

PreventionGenetics, part of Exact Sciences
Classification: Likely benign for MSH6-related condition. Last evaluated: 2025-09-26. Review status: criteria provided, single submitter. Criteria: ACMG Guidelines, 2015. Collection method: clinical testing. Allele origin: germline.
Comment: This variant is classified as likely benign based on ACMG/AMP sequence variant interpretation guidelines (Richards et al. 2015 PMID: 25741868, with internal and published modifications).

Quest Diagnostics Nichols Institute San Juan Capistrano
Classification: Uncertain significance. Last evaluated: 2025-08-27. Review status: criteria provided, single submitter. Criteria: Quest Diagnostics criteria. Collection method: clinical testing. Allele origin: unknown.
Comment: The MSH6 c.3299C>T (p.Thr1100Met) variant has been reported in the published literature in individuals with colorectal cancer (PMIDs: 11709755 (2002), 26901136 (2016), 30267214 (2018), 32658311 (2021)), breast cancer (PMIDs: 32068069 (2020), 35449176 (2022)) and suspected Lynch syndrome (PMID: 25980754 (2015)). This variant has also been identified in reportedly unaffected individuals (PMID: 36243179 (2022)). In one family, this variant was found to co-occur with a pathogenic MUTYH variant in three individuals with colorectal cancer (PMID: 32615015 (2020)). One in vitro functional study demonstrated this variant has a mismatch repair efficiency similar to wildtype (PMID: 32615015 (2020)). The frequency of this variant in the general population (Genome Aggregation Database) is uninformative in the assessment of its pathogenicity. Analysis of this variant using bioinformatics tools for the prediction of the effect of amino acid changes on protein structure and function yielded predictions that this variant is benign. Based on the available information, we are unable to determine the clinical significance of this variant.

Molecular Diagnostics Laboratory, Catalan Institute of Oncology
Classification: Likely benign for Hereditary cancer-predisposing syndrome. Last evaluated: 2025-03-24. Review status: criteria provided, single submitter. Criteria: ClinGen CRC ACMG Specifications MSH6 V1.0.0. Collection method: clinical testing. Allele origin: germline.
Comment: BP4, BP5 The c.3299C>T variant, located in exon 5 of the MSH6 gene, is predicted to result in the substitution of threonine by methionine at codon 1100; p.(Thr1100Met). This variant is found in 55/1613980 alleles at a frequency of 0,0034% in the gnomAD v4 database, with a filter allele frequency of 0.0043% (South Asian dataset). Computational tools for this variant suggests no significant impact on splicing (SpliceAI) or protein function (MAPP+PolyPhen-2 prior probability for pathogenicity: 0.06) (BP4). It has been reported in several colorectal cancer patients showing conserved MSH6 expression in CRC (PMID: 32615015, 11709755 and internal data) (BP5). A functional study reported that this variant does not impact in vitro DNA mismatch repair activity (PMID: 32615015). In addition, the variant has been reported in ClinVar (13x uncertain significance, 2x likely benign, 1x benign), LOVD (9x uncertain significance, 2x likely benign, 2x not classified) and in the InSiGHT database as Class 3: uncertain (Insufficient evidence). Based on currently available information, the variant c.3299C>T is classified as a likely benign variant according to ClinGen_Insight_ACMG_Specifications_MSH6_v1.0.0.

Center for Genomic Medicine, Rigshospitalet, Copenhagen University Hospital
Classification: Uncertain significance. Last evaluated: 2025-03-04. Review status: criteria provided, single submitter. Criteria: ACMG Guidelines, 2015. Collection method: clinical testing. Allele origin: germline.

GeneDx
Classification: Uncertain significance. Last evaluated: 2025-02-11. Review status: criteria provided, single submitter. Criteria: GeneDx Variant Classification Process June 2021. Collection method: clinical testing. Allele origin: germline. Affected: yes.
Comment: Observed in patients with colorectal cancer (CRC) or other Lynch syndrome-associated cancers, and segregated with CRC in one family together with a MUTYH pathogenic variant (PMID: 11709755, 25980754, 26901136, 30267214, 32615015); Published functional studies suggest no damaging effect: mismatch repair activity similar to wild-type (PMID: 32615015); In silico analysis supports that this missense variant has a deleterious effect on protein structure/function; This variant is associated with the following publications: (PMID: 25801821, 32615015, 32980694, 25980754, 23621914, 24362816, 26269718, 26901136, 11709755, 35422474, 32658311, 33471991, 29684080, 30267214, 31422818, 32068069, 36243179, 35449176, 17531815, 21120944)

All of Us Research Program, National Institutes of Health
Classification: Uncertain significance for Lynch syndrome. Last evaluated: 2024-09-23. Review status: criteria provided, single submitter. Criteria: ACMG Guidelines, 2015. Collection method: clinical testing. Allele origin: germline. Inheritance: Autosomal dominant inheritance. Observed: 30 variant alleles, 30 heterozygotes.
Comment: This missense variant replaces threonine with methionine at codon 1100 of the MSH6 protein. Computational prediction is inconclusive regarding the impact of this variant on protein structure and function (internally defined REVEL score threshold 0.5 < inconclusive < 0.7, PMID: 27666373). A functional study has reported that this variant does not impact in vitro DNA mismatch repair activity (PMID: 32615015). This variant has been reported in individuals affected with Lynch syndrome-associated cancer and/or polyps (PMID: 11709755, 25980754, 26901136, 30267214) and skin melanoma and thyroid cancer (PMID: 2968408). This variant also has been reported to cosegregate with heterozygous pathogenic MUTYH p.Tyr179Cys in three colorectal cancer-affected members of a suspected Lynch syndrome family (PMID: 32615015). This variant has been identified in 12/282832 chromosomes in the general population by the Genome Aggregation Database (gnomAD) and in healthy controls (PMID: 32980694). The available evidence is insufficient to determine the role of this variant in disease conclusively. Therefore, this variant is classified as a Variant of Uncertain Significance.

This study involves interpretation of variants in research participants for the purpose of population health screening. Participant phenotype was not available at the time of variant classification. Additional details can be found in publication PMID: 35346344, PMCID: PMC8962531

Women's Health and Genetics/Laboratory Corporation of America, LabCorp
Classification: Uncertain significance. Last evaluated: 2024-05-03. Review status: criteria provided, single submitter. Criteria: LabCorp Variant Classification Summary - May 2015. Collection method: clinical testing. Allele origin: germline.
Comment: Variant summary: MSH6 c.3299C>T (p.Thr1100Met) results in a non-conservative amino acid change located in the DNA mismatch repair protein MutS, core (IPR007696) of the encoded protein sequence. Four of five in-silico tools predict a damaging effect of the variant on protein function. The variant allele was found at a frequency of 4e-05 in 251432 control chromosomes. This frequency is not significantly higher than estimated for a pathogenic variant in MSH6 causing Hereditary Nonpolyposis Colorectal Cancer (4e-05 vs 0.00014), allowing no conclusion about variant significance. c.3299C>T has been reported in the literature in individuals affected with or suspected to have Hereditary Nonpolyposis Colorectal Cancer, or colorectal cancer or breast cancer (Example: Ackay_2021, Schuber_2020, Berends_2002, deVoer_2016, Kwong_2020). The variant was also reported to cosegregate with heterozygous pathogenic MUTYH p.Tyr179Cys in multiple colorectal cancer-affected members of a suspected Lynch syndrome family (Schuber_2020). These reports do not provide unequivocal conclusions about association of the variant with Hereditary Nonpolyposis Colorectal Cancer. At least one publication reports experimental evidence evaluating an impact on protein function (Schuber_2020). The following publications have been ascertained in the context of this evaluation (PMID: 32658311, 11709755, 25801821, 31422818, 32068069, 32615015, 23621914, 25980754, 26901136, 35449176). ClinVar contains an entry for this variant (Variation ID: 89369). Based on the evidence outlined above, the variant was classified as uncertain significance.